The following is an entry in ClinVar:

NM_000687.4(AHCY):c.698G>A (p.Arg233Gln)

Gene: AHCY (adenosylhomocysteinase; minus strand). Cytogenetic location: 20q11.22.
Variant type: single nucleotide variant.
Coding change: c.698G>A on transcript NM_000687.4 (MANE Select); coding-DNA position 698, G replaced by A.
Protein change: p.Arg233Gln; replaces arginine 233 with glutamine.
Molecular consequence: missense variant.
Genome position (GRCh38, 1-based): chr20:34,290,799, C>T on the plus strand (G>A on the coding strand, the complement: AHCY is on the minus strand). VCF-style: chr20-34290799-C-T. GRCh37 (hg19) VCF-style: chr20-32878605-C-T.
Other names: c.614G>A, p.Arg205Gln (NM_001161766.2, NM_001322084.2, NM_001322085.2); c.704G>A, p.Arg235Gln (NM_001322086.2); c.698G>A, p.Arg233Gln (NM_001362750.2); short protein forms R205Q, R235Q, R233Q.
Identifiers: ClinVar variation 938535 (VCV000938535.7), dbSNP rs573146559, ClinGen allele CA9820919.

ClinVar aggregate classification (germline): Uncertain significance (1 of 4 stars; one submission).

Conditions:
Hypermethioninemia with deficiency of S-adenosylhomocysteine hydrolase. Identifiers: Orphanet 88618, MedGen C3151058, MONDO:0013404, OMIM 613752.

Allele frequency attached by ClinVar (database versions not stated): ExAC 0.00008; gnomAD 0.00009 and 0.00010; gnomAD exomes 0.00011; TOPMed 0.00011; 1000 Genomes Project 30x 0.00031; 1000 Genomes Project 0.00040.
gnomAD v4.1: 116 of 1,614,154 alleles (0.0072%); highest among the groups gnomAD compares: Middle Eastern, 0.13%; no homozygotes.

Submission:

Labcorp Genetics (formerly Invitae), Labcorp
Classification: Uncertain significance for Hypermethioninemia with deficiency of S-adenosylhomocysteine hydrolase. Last evaluated: 2022-10-05. Review status: criteria provided, single submitter. Criteria: Invitae Variant Classification Sherloc (09022015). Collection method: clinical testing. Allele origin: germline.
Comment: This sequence change replaces arginine, which is basic and polar, with glutamine, which is neutral and polar, at codon 233 of the AHCY protein (p.Arg233Gln). This variant is present in population databases (rs573146559, gnomAD 0.02%). This variant has not been reported in the literature in individuals affected with AHCY-related conditions. ClinVar contains an entry for this variant (Variation ID: 938535). Advanced modeling of protein sequence and biophysical properties (such as structural, functional, and spatial information, amino acid conservation, physicochemical variation, residue mobility, and thermodynamic stability) performed at Invitae indicates that this missense variant is not expected to disrupt AHCY protein function. In summary, the available evidence is currently insufficient to determine the role of this variant in disease. Therefore, it has been classified as a Variant of Uncertain Significance.